The following is an entry in ClinVar:

ClinVar aggregate classification (germline): Uncertain significance (1 of 4 stars; one submission).

Conditions:
Early-infantile DEE. Also called: Ohtahara syndrome; Early infantile epileptic encephalopathy with suppression bursts; Early infantile epileptic encephalopathy. Identifiers: Orphanet 1934, MedGen C0393706, MONDO:0800491.

Submission:

Labcorp Genetics (formerly Invitae), Labcorp
Classification: Uncertain significance for Early-infantile DEE. Last evaluated: 2024-04-16. Review status: criteria provided, single submitter. Criteria: Invitae Variant Classification Sherloc (09022015). Collection method: clinical testing. Allele origin: germline.
Comment: This sequence change replaces methionine, which is neutral and non-polar, with isoleucine, which is neutral and non-polar, at codon 1062 of the SCN1A protein (p.Met1062Ile). This variant is not present in population databases (gnomAD no frequency). This variant has not been reported in the literature in individuals affected with SCN1A-related conditions. ClinVar contains an entry for this variant (Variation ID: 2169279). Advanced modeling of protein sequence and biophysical properties (such as structural, functional, and spatial information, amino acid conservation, physicochemical variation, residue mobility, and thermodynamic stability) performed at Invitae indicates that this missense variant is not expected to disrupt SCN1A protein function with a negative predictive value of 95%. In summary, the available evidence is currently insufficient to determine the role of this variant in disease. Therefore, it has been classified as a Variant of Uncertain Significance.

NM_001165963.4(SCN1A):c.3186G>A (p.Met1062Ile)

Genes: SCN1A (sodium voltage-gated channel alpha subunit 1; minus strand), LOC102724058 (uncharacterized LOC102724058; plus strand). Cytogenetic location: 2q24.3.
Variant type: single nucleotide variant.
Coding change: c.3186G>A on transcript NM_001165963.4 (MANE Select); coding-DNA position 3186, G replaced by A.
Protein change: p.Met1062Ile; replaces methionine 1062 with isoleucine.
Molecular consequence: missense variant. On other transcripts: non-coding transcript variant (2).
Genome position (GRCh38, 1-based): chr2:166,036,291, C>T on the plus strand (G>A on the coding strand, the complement: SCN1A is on the minus strand). VCF-style: chr2-166036291-C-T. GRCh37 (hg19) VCF-style: chr2-166892801-C-T.
Other names: c.3102G>A, p.Met1034Ile (NM_001165964.3, NM_001353957.2, NM_001353958.2); c.3186G>A, p.Met1062Ile (NM_001202435.3, NM_001353948.2); c.3153G>A, p.Met1051Ile (NM_001353949.2, NM_001353950.2, NM_001353951.2 and 2 more transcripts); c.3150G>A, p.Met1050Ile (NM_001353954.2, NM_001353955.2); c.3099G>A, p.Met1033Ile (NM_001353960.2); c.744G>A, p.Met248Ile (NM_001353961.2); short protein forms M1034I, M1050I, M1062I, M1051I, M248I, M1033I.
Identifiers: ClinVar variation 2169279 (VCV002169279.4), dbSNP rs1574169968, ClinGen allele CA349059619.
Genomic context (GRCh38, chr2:166,036,291, plus strand): 5'-AGTTCCATTTACATCTTTAAGATAGTCAAGATCTTTCCCAATTTCTGCTGTATGATTGGA[C>T]ATACAACTGTCTTTCTTGTTGTTTAGATCATCAAGTGGTTTAATTTCATCTAAAATCTTT-3'
Protein context (NP_001159435.1, residues 1052-1072): DDLNNKKDSC[Met1062Ile]SNHTAEIGKD